The following is an entry in ClinVar:

ClinVar aggregate classification (germline): Pathogenic (1 of 4 stars; one submission).

Conditions:
X-linked acrogigantism due to Xq26 microduplication. Also called: X-Linked Acrogigantism; CHROMOSOME Xq26 MICRODUPLICATION SYNDROME; Chromosome Xq26.3 duplication syndrome. Identifiers: Orphanet 300373, Orphanet 448372, MedGen C3891556, MONDO:0010491, OMIM 300942.

Submission:

Lupski Lab, Baylor-Hopkins CMG, Baylor College of Medicine
Classification: Pathogenic for X-linked acrogigantism due to Xq26 microduplication. Last evaluated: 2015-11-12. Review status: criteria provided, single submitter. Criteria: Beckers et al. (Endocr Relat Cancer. 2015). Collection method: research. Allele origin: germline. Inheritance: Sporadic. Affected: yes. Observed: 1 variant allele, 1 heterozygote.
Comment: XLAG is a newly described condition, which is rare and the phenotype is incompletely characterized, particularly in terms of clinical responses to treatment. The aim of this study was to clinically characterize X-LAG in an expanded cohort of 18 affected patients.

Single allele

Genes: ARHGEF6 (Rac/Cdc42 guanine nucleotide exchange factor 6; minus strand), CD40LG (CD40 ligand; plus strand), GPR101 (G protein-coupled receptor 101; minus strand), RBMX (RNA binding motif protein X-linked; minus strand), VGLL1 (vestigial like family member 1; plus strand). Cytogenetic location: Xq26.3.
Variant type: Duplication.
Identifiers: ClinVar variation 243065 (VCV000243065.1).